The following is an entry in ClinVar:

ClinVar aggregate classification (germline): Uncertain significance (1 of 4 stars; one submission).

Conditions:
Rhabdoid tumor predisposition syndrome 2 (RTPS2). Identifiers: Orphanet 231108, Orphanet 69077, MedGen C2750074, MONDO:0013224, OMIM 613325.

Submission:

Labcorp Genetics (formerly Invitae), Labcorp
Classification: Uncertain significance for Rhabdoid tumor predisposition syndrome 2. Last evaluated: 2019-06-04. Review status: criteria provided, single submitter. Criteria: Invitae Variant Classification Sherloc (09022015). Collection method: clinical testing. Allele origin: germline.
Comment: In summary, the available evidence is currently insufficient to determine the role of this variant in disease. Therefore, it has been classified as a Variant of Uncertain Significance. Algorithms developed to predict the effect of sequence changes on RNA splicing suggest that this variant may create or strengthen a splice site, but this prediction has not been confirmed by published transcriptional studies. Algorithms developed to predict the effect of missense changes on protein structure and function (SIFT, PolyPhen-2, Align-GVGD) all suggest that this variant is likely to be disruptive, but these predictions have not been confirmed by published functional studies and their clinical significance is uncertain. This variant has not been reported in the literature in individuals with SMARCA4-related conditions. This variant is not present in population databases (ExAC no frequency). This sequence change replaces aspartic acid with valine at codon 602 of the SMARCA4 protein (p.Asp602Val). The aspartic acid residue is highly conserved and there is a large physicochemical difference between aspartic acid and valine.

NM_003072.5(SMARCA4):c.1805A>T (p.Asp602Val)

Gene: SMARCA4 (SWI/SNF related BAF chromatin remodeling complex subunit ATPase 4; plus strand). Cytogenetic location: 19p13.2.
Variant type: single nucleotide variant.
Coding change: c.1805A>T on transcript NM_003072.5 (MANE Select); coding-DNA position 1805, A replaced by T.
Protein change: p.Asp602Val; replaces aspartic acid 602 with valine.
Molecular consequence: missense variant. On other transcripts: non-coding transcript variant (1).
Genome position (GRCh38, 1-based): chr19:10,996,537, A>T. VCF-style: chr19-10996537-A-T. GRCh37 (hg19) VCF-style: chr19-11107213-A-T.
Other names: c.1805A>T, p.Asp602Val (NM_001128844.3, NM_001128845.2, NM_001128846.2 and 4 more transcripts); short protein forms D602V.
Identifiers: ClinVar variation 934312 (VCV000934312.9), dbSNP rs2087068642, ClinGen allele CA404064880.
Genomic context (GRCh38, chr19:10,996,537, plus strand): 5'-TCTCTCTCTATTTCCAGAAGGCAGAAAATGCAGAAGGACAGACGCCTGCCATTGGGCCGG[A>T]TGGCGAGGTGAGGAAGCAGGGTTTCTTGTGGAAGTATCAAGCTAGCCCTAAGGCGTTGGT-3'
Protein context (NP_003063.2, residues 592-612): AEGQTPAIGP[Asp602Val]GEPLDETSQM